The following is an entry in ClinVar:

NM_005026.5(PIK3CD):c.2188C>T (p.His730Tyr)

Gene: PIK3CD (phosphatidylinositol-4,5-bisphosphate 3-kinase catalytic subunit delta; plus strand). Cytogenetic location: 1p36.22.
Variant type: single nucleotide variant.
Coding change: c.2188C>T on transcript NM_005026.5 (MANE Select); coding-DNA position 2188, C replaced by T.
Protein change: p.His730Tyr; replaces histidine 730 with tyrosine.
Molecular consequence: missense variant.
Genome position (GRCh38, 1-based): chr1:9,722,107, C>T. VCF-style: chr1-9722107-C-T. GRCh37 (hg19) VCF-style: chr1-9782165-C-T.
Other names: c.2185C>T, p.His729Tyr (NM_001350234.2, NM_001439206.1); c.2101C>T, p.His701Tyr (NM_001350235.1); c.2188C>T, p.His730Tyr (NM_001437546.1); c.2044C>T, p.His682Tyr (NM_001437547.1, NM_001438338.1); short protein forms H682Y, H729Y, H730Y, H701Y.
Identifiers: ClinVar variation 4750946 (VCV004750946.1).

ClinVar aggregate classification (germline): Uncertain significance (1 of 4 stars; one submission).

Conditions:
Immunodeficiency 14 (IMD14A). Also called: p110-DELTA-ACTIVATING MUTATION CAUSING SENESCENT T CELLS, LYMPHADENOPATHY, AND IMMUNODEFICIENCY; ACTIVATED PI3K-DELTA SYNDROME 1; Activated PI3K Delta Syndrome Type 1 (APDS1); IMMUNODEFICIENCY 14A WITH LYMPHOPROLIFERATION, AUTOSOMAL DOMINANT. Identifiers: Orphanet 397596, Orphanet 693661, MedGen C5907821, MONDO:0014222, OMIM 615513.

gnomAD v4.1: 2 of 1,613,422 alleles (0.00012%); highest among the groups gnomAD compares: African/African-American, 0.0027%; no homozygotes.

Submission:

Labcorp Genetics (formerly Invitae), Labcorp
Classification: Uncertain significance for Activated PI3K-delta syndrome. Last evaluated: 2025-03-24. Review status: criteria provided, single submitter. Criteria: Invitae Variant Classification Sherloc (09022015). Collection method: clinical testing. Allele origin: germline.
Comment: This sequence change replaces histidine, which is basic and polar, with tyrosine, which is neutral and polar, at codon 730 of the PIK3CD protein (p.His730Tyr). This variant is not present in population databases (gnomAD no frequency). This variant has not been reported in the literature in individuals affected with PIK3CD-related conditions. Invitae Evidence Modeling of protein sequence and biophysical properties (such as structural, functional, and spatial information, amino acid conservation, physicochemical variation, residue mobility, and thermodynamic stability) indicates that this missense variant is not expected to disrupt PIK3CD protein function with a negative predictive value of 80%. In summary, the available evidence is currently insufficient to determine the role of this variant in disease. Therefore, it has been classified as a Variant of Uncertain Significance.